The following is an entry in ClinVar:

NM_001287.6(CLCN7):c.1270dup (p.Thr424fs)

Gene: CLCN7 (chloride voltage-gated channel 7; minus strand). Cytogenetic location: 16p13.3.
Variant type: Duplication.
Coding change: c.1270dup on transcript NM_001287.6 (MANE Select); coding-DNA position 1270, one base duplicated (A; older notation c.1270dupA).
Protein change: p.Thr424fs; shifts the reading frame from threonine 424.
Molecular consequence: frameshift variant.
Genome position (GRCh38, 1-based): chr16:1,452,838, T duplicated on the plus strand (A on the coding strand, the reverse complement: CLCN7 is on the minus strand). VCF-style (leftmost placement, unchanged base first): chr16-1452837-G-GT. GRCh37 (hg19) VCF-style: chr16-1502838-G-GT.
Other names: c.1198dup, p.Thr400fs (NM_001114331.3); short protein forms T400fs, T424fs.
Identifiers: ClinVar variation 2128622 (VCV002128622.4), dbSNP rs2505824870, ClinGen allele CA2580090698.

ClinVar aggregate classification (germline): Pathogenic (1 of 4 stars; one submission).

Submission:

Labcorp Genetics (formerly Invitae), Labcorp
Classification: Pathogenic. Last evaluated: 2024-08-12. Review status: criteria provided, single submitter. Criteria: Invitae Variant Classification Sherloc (09022015). Collection method: clinical testing. Allele origin: germline.
Comment: This sequence change creates a premature translational stop signal (p.Thr424Asnfs*176) in the CLCN7 gene. It is expected to result in an absent or disrupted protein product. Loss-of-function variants in CLCN7 are known to be pathogenic (PMID: 14584882, 19953639). This variant is not present in population databases (gnomAD no frequency). This variant has not been reported in the literature in individuals affected with CLCN7-related conditions. ClinVar contains an entry for this variant (Variation ID: 2128622). For these reasons, this variant has been classified as Pathogenic.

Literature cited by the submitters: PubMed 14584882; PubMed 19953639.